The following is an entry in ClinVar:

NM_024782.3(NHEJ1):c.464C>T (p.Thr155Met)

Gene: NHEJ1 (non-homologous end joining factor 1; minus strand). Cytogenetic location: 2q35.
Variant type: single nucleotide variant.
Coding change: c.464C>T on transcript NM_024782.3 (MANE Select); coding-DNA position 464, C replaced by T.
Protein change: p.Thr155Met; replaces threonine 155 with methionine.
Molecular consequence: missense variant. On other transcripts: non-coding transcript variant (1).
Genome position (GRCh38, 1-based): chr2:219,147,722, G>A on the plus strand (C>T on the coding strand, the complement: NHEJ1 is on the minus strand). VCF-style: chr2-219147722-G-A. GRCh37 (hg19) VCF-style: chr2-220012444-G-A.
Other names: c.464C>T, p.Thr155Met (NM_001377498.1, NM_001377499.1); short protein forms T155M.
Identifiers: ClinVar variation 1022313 (VCV001022313.6), dbSNP rs756563868, ClinGen allele CA2116979.
Genomic context (GRCh38, chr2:219,147,722, plus strand): 5'-ATCAGCGTAGCCCCACTCTCCTGGTAGTCTTGGATCTCTAGGTCTTTCATATGAAGTAAC[G>A]TTGCTAGCTCCCTCACTTGGCACTGTAATGCCAGACTCATGCCCATCAGAGGACGAATCA-3'
Protein context (NP_079058.1, residues 145-165): ALQCQVRELA[Thr155Met]LLHMKDLEIQ

ClinVar aggregate classification (germline): Uncertain significance. Review status: criteria provided, multiple submitters, no conflicts (2 of 4 stars). 2 submissions from 2 submitters: Uncertain significance (2). Last evaluated 2023-12-15.

Conditions:
Cernunnos-XLF deficiency (IMD124). Also called: Severe combined immunodeficiency with sensitivity to ionizing radiation due to NHEJ1 deficiency; SCID, autosomal recessive, T cell-negative, B cell-negative, NK cell-positive, and sensitivity to ionizing radiation due to NHEJ1 deficiency; IMMUNODEFICIENCY 124, SEVERE COMBINED; NHEJ1 SYNDROME; SCID, AUTOSOMAL RECESSIVE, T CELL-NEGATIVE, B CELL-NEGATIVE, NK CELL-POSITIVE, WITH MICROCEPHALY, GROWTH RETARDATION, AND SENSITIVITY TO IONIZING RADIATION. Identifiers: Orphanet 169079, MedGen C1969799, MONDO:0012650, OMIM 611291.

Allele frequency attached by ClinVar (database versions not stated): gnomAD 0.00001 and 0.00003; ExAC 0.00002; TOPMed 0.00003; gnomAD exomes 0.00004.
gnomAD v4.1: 56 of 1,614,102 alleles (0.0035%); highest among the groups gnomAD compares: South Asian, 0.029%; no homozygotes.

Submissions (2):

Labcorp Genetics (formerly Invitae), Labcorp
Classification: Uncertain significance for Cernunnos-XLF deficiency. Last evaluated: 2023-12-15. Review status: criteria provided, single submitter. Criteria: Invitae Variant Classification Sherloc (09022015). Collection method: clinical testing. Allele origin: germline.
Comment: This sequence change replaces threonine, which is neutral and polar, with methionine, which is neutral and non-polar, at codon 155 of the NHEJ1 protein (p.Thr155Met). This variant is present in population databases (rs756563868, gnomAD 0.02%). This variant has not been reported in the literature in individuals affected with NHEJ1-related conditions. ClinVar contains an entry for this variant (Variation ID: 1022313). Advanced modeling of protein sequence and biophysical properties (such as structural, functional, and spatial information, amino acid conservation, physicochemical variation, residue mobility, and thermodynamic stability) performed at Invitae indicates that this missense variant is not expected to disrupt NHEJ1 protein function with a negative predictive value of 80%. In summary, the available evidence is currently insufficient to determine the role of this variant in disease. Therefore, it has been classified as a Variant of Uncertain Significance.

Fulgent Genetics
Classification: Uncertain significance for Cernunnos-XLF deficiency. Last evaluated: 2022-05-12. Review status: criteria provided, single submitter. Criteria: ACMG Guidelines, 2015. Collection method: clinical testing. Allele origin: unknown.